The following is an entry in ClinVar:

NM_004525.3(LRP2):c.762T>C (p.Asp254=)

Gene: LRP2 (LDL receptor related protein 2; minus strand). Cytogenetic location: 2q31.1.
Variant type: single nucleotide variant.
Coding change: c.762T>C on transcript NM_004525.3 (MANE Select); coding-DNA position 762, T replaced by C.
Protein change: p.Asp254=; no amino-acid change (aspartic acid 254 retained).
Molecular consequence: synonymous variant.
Genome position (GRCh38, 1-based): chr2:169,292,260, A>G on the plus strand (T>C on the coding strand, the complement: LRP2 is on the minus strand). VCF-style: chr2-169292260-A-G. GRCh37 (hg19) VCF-style: chr2-170148770-A-G.
Identifiers: ClinVar variation 2064389 (VCV002064389.11), dbSNP rs1684017453, ClinGen allele CA429921529.

ClinVar aggregate classification (germline): Likely benign. Review status: criteria provided, multiple submitters, no conflicts (2 of 4 stars). 2 submissions from 2 submitters: Likely benign (2). Last evaluated 2025-03-01.

Allele frequency attached by ClinVar (database versions not stated): gnomAD exomes 0.00001.
gnomAD v4.1: 7 of 1,608,094 alleles (0.00044%); highest among the groups gnomAD compares: Non-Finnish European, 0.0006%; no homozygotes.

Submissions (2):

CeGaT Center for Human Genetics Tuebingen
Classification: Likely benign. Last evaluated: 2025-03-01. Review status: criteria provided, single submitter. Criteria: CeGaT Center For Human Genetics Tuebingen Variant Classification Criteria Version 2. Collection method: clinical testing. Allele origin: germline. Affected: yes. Observed: 1 variant allele.
Comment: LRP2: BP4, BP7

Labcorp Genetics (formerly Invitae), Labcorp
Classification: Likely benign. Last evaluated: 2023-08-16. Review status: criteria provided, single submitter. Criteria: Invitae Variant Classification Sherloc (09022015). Collection method: clinical testing. Allele origin: germline.